The following is an entry in ClinVar:

NM_001267550.2(TTN):c.78301A>T (p.Lys26101Ter)

Genes: TTN-AS1 (TTN antisense RNA 1; plus strand), TTN (titin; minus strand). Cytogenetic location: 2q31.2.
Variant type: single nucleotide variant.
Coding change: c.78301A>T on transcript NM_001267550.2 (MANE Select); coding-DNA position 78301, A replaced by T.
Protein change: p.Lys26101Ter; replaces lysine 26101 with a stop codon.
Molecular consequence: nonsense.
Genome position (GRCh38, 1-based): chr2:178,567,831, T>A on the plus strand (A>T on the coding strand, the complement: TTN is on the minus strand). VCF-style: chr2-178567831-T-A. GRCh37 (hg19) VCF-style: chr2-179432558-T-A.
Other names: c.73378A>T, p.Lys24460Ter (NM_001256850.1); c.51106A>T, p.Lys17036Ter (NM_003319.4); c.70597A>T, p.Lys23533Ter (NM_133378.4); c.51481A>T, p.Lys17161Ter (NM_133432.3); c.51682A>T, p.Lys17228Ter (NM_133437.4); short protein forms K17036*, K17161*, K17228*, K23533*, K24460*, K26101*.
Identifiers: ClinVar variation 3759423 (VCV003759423.2).
Genomic context (GRCh38, chr2:178,567,831, plus strand): 5'-TAATCATACTTCCACCATCATACACAGGTTTGGTCCACTGTAAAGTGATTTCATTTCTTT[T>A]AACCATTATTGGTTCTGGGGTTCCTGGTGGGTCACAGGGATCTCTGGCTACATAGCATTC-3'

ClinVar aggregate classification (germline): Likely pathogenic (1 of 4 stars; one submission).

Conditions:
Dilated cardiomyopathy 1G (CMD1G). Identifiers: Orphanet 154, MedGen C1858763, MONDO:0011400, OMIM 604145.
Autosomal recessive limb-girdle muscular dystrophy type 2J (LGMDR10). Also called: Limb-girdle muscular dystrophy, type 2J; MUSCULAR DYSTROPHY, LIMB-GIRDLE, AUTOSOMAL RECESSIVE 10. Identifiers: Orphanet 140922, MedGen C1837342, MONDO:0012127, OMIM 608807.

Submission:

Labcorp Genetics (formerly Invitae), Labcorp
Classification: Likely pathogenic for Dilated cardiomyopathy 1G; Autosomal recessive limb-girdle muscular dystrophy type 2J. Last evaluated: 2024-10-10. Review status: criteria provided, single submitter. Criteria: Invitae Variant Classification Sherloc (09022015). Collection method: clinical testing. Allele origin: germline.
Comment: This sequence change creates a premature translational stop signal (p.Lys26101*) in the TTN gene. While this is not anticipated to result in nonsense mediated decay, it is expected to create a truncated TTN protein. This variant is not present in population databases (gnomAD no frequency). This variant has not been reported in the literature in individuals affected with TTN-related conditions. This variant is located in the A band of TTN (PMID: 25589632). Truncating variants in this region are significantly overrepresented in patients affected with dilated cardiomyopathy (PMID: 25589632). Truncating variants in this region have also been reported in individuals affected with autosomal recessive centronuclear myopathy (PMID: 23975875). In summary, the currently available evidence indicates that the variant is pathogenic, but additional data are needed to prove that conclusively. Therefore, this variant has been classified as Likely Pathogenic.

Literature cited by the submitters: PubMed 25589632; PubMed 23975875.